The following is an entry in ClinVar:

ClinVar aggregate classification (germline): Pathogenic (1 of 4 stars; one submission).

Conditions:
Hereditary breast ovarian cancer syndrome. Also called: Hereditary breast and ovarian cancer; Hereditary breast and ovarian cancer syndrome (HBOC); Breast and ovarian cancer; Hereditary breast and ovarian cancer syndrome; Hereditary breast and/or ovarian cancer syndrome; BRCA1- and BRCA2-Associated Hereditary Breast and Ovarian Cancer. Identifiers: Orphanet 145, MedGen C0677776, MeSH D061325, MONDO:0003582. Disease mechanism: loss of function.

Submission:

Labcorp Genetics (formerly Invitae), Labcorp
Classification: Pathogenic for Hereditary breast ovarian cancer syndrome. Last evaluated: 2021-05-15. Review status: criteria provided, single submitter. Criteria: Invitae Variant Classification Sherloc (09022015). Collection method: clinical testing. Allele origin: germline.
Comment: This variant has not been reported in the literature in individuals with BRCA1-related conditions. For these reasons, this variant has been classified as Pathogenic. This variant is not present in population databases (ExAC no frequency). This sequence change creates a premature translational stop signal (p.Thr1149Asnfs*6) in the BRCA1 gene. It is expected to result in an absent or disrupted protein product. Loss-of-function variants in BRCA1 are known to be pathogenic (PMID: 20104584).

Literature cited by the submitters: PubMed 20104584.

NM_007294.4(BRCA1):c.3446del (p.Thr1149fs)

Genes: BRCA1 (BRCA1 DNA repair associated; minus strand), LOC126862571 (BRD4-independent group 4 enhancer GRCh37_chr17:41243136-41244335; plus strand). Cytogenetic location: 17q21.31.
Variant type: Deletion.
Coding change: c.3446del on transcript NM_007294.4 (MANE Select); coding-DNA position 3446, one base deleted (C; older notation c.3446delC).
Protein change: p.Thr1149fs; shifts the reading frame from threonine 1149.
Molecular consequence: frameshift variant. On other transcripts: intron variant (135).
Genome position (GRCh38, 1-based): chr17:43,092,085, G deleted on the plus strand (C on the coding strand, the reverse complement: BRCA1 is on the minus strand). VCF-style (leftmost placement, unchanged base first): chr17-43092084-TG-T. GRCh37 (hg19) VCF-style: chr17-41244101-TG-T.
Other names: c.3233del, p.Thr1078fs (NM_001407571.1, NM_001407853.1, NM_001407894.1 and 9 more transcripts); c.3446del, p.Thr1149fs (NM_001407581.1, NM_001407582.1, NM_001407583.1 and 30 more transcripts); c.3443del, p.Thr1148fs (NM_001407587.1, NM_001407590.1, NM_001407591.1 and 22 more transcripts); c.3437del, p.Thr1146fs (NM_001407646.1, NM_001407647.1); c.3323del, p.Thr1108fs (NM_001407648.1, NM_001407664.1, NM_001407665.1 and 19 more transcripts); c.3320del, p.Thr1107fs (NM_001407649.1, NM_001407670.1, NM_001407671.1 and 11 more transcripts); c.3368del, p.Thr1123fs (NM_001407653.1, NM_001407654.1, NM_001407655.1 and 4 more transcripts); c.3365del, p.Thr1122fs (NM_001407659.1, NM_001407660.1, NM_001407661.1 and 1 more transcripts); and 41 more; short protein forms T1102fs, T1149fs, T1021fs, T1037fs, T1038fs, T1060fs, T1107fs, T1146fs.
Identifiers: ClinVar variation 1452332 (VCV001452332.7), dbSNP rs2154315058, ClinGen allele CA2573154074.